The following is an entry in ClinVar:

NM_000051.4(ATM):c.1723T>C (p.Ser575Pro)

Gene: ATM (ATM serine/threonine kinase; plus strand). Cytogenetic location: 11q22.3.
Variant type: single nucleotide variant.
Coding change: c.1723T>C on transcript NM_000051.4 (MANE Select); coding-DNA position 1723, T replaced by C.
Protein change: p.Ser575Pro; replaces serine 575 with proline.
Molecular consequence: missense variant.
Genome position (GRCh38, 1-based): chr11:108,251,952, T>C. VCF-style: chr11-108251952-T-C. GRCh37 (hg19) VCF-style: chr11-108122679-T-C.
Other names: c.1723T>C, p.Ser575Pro (NM_001351834.2); short protein forms S575P.
Identifiers: ClinVar variation 1778819 (VCV001778819.3), dbSNP rs1565385720, ClinGen allele CA382535287.
Genomic context (GRCh38, chr11:108,251,952, plus strand): 5'-GTAAAAATGGGAATAGAGCAAAATATGTGTGAAGTAAATAGAAGCTTTTCTTTAAAGGAA[T>C]CAATAATGAAATGGCTCTTATTCTATCAGTTAGAGGGTGACTTAGAAAATAGCACAGAAG-3'
Protein context (NP_000042.3, residues 565-585): EVNRSFSLKE[Ser575Pro]IMKWLLFYQL

ClinVar aggregate classification (germline): Uncertain significance. Review status: criteria provided, single submitter (1 of 4 stars). 2 submissions from 2 submitters: Uncertain significance (1). 1 of the submissions does not count toward it. Last evaluated 2019-08-27.

Conditions:
Hereditary cancer-predisposing syndrome. Also called: Tumor predisposition; Neoplastic Syndromes, Hereditary; Hereditary Cancer Syndrome; Hereditary neoplastic syndrome. Identifiers: Orphanet 140162, MedGen C0027672, MeSH D009386, MONDO:0015356.
Ataxia-telangiectasia syndrome (AT). Also called: LOUIS-BAR SYNDROME; Cerebello-oculocutaneous telangiectasia; Immunodeficiency with ataxia telangiectasia; Ataxia-telangiectasia, complementation group D; AT, COMPLEMENTATION GROUP C; ATAXIA-TELANGIECTASIA, COMPLEMENTATION GROUP A. Identifiers: Orphanet 100, MedGen C0004135, MONDO:0008840, OMIM 208900.

Submissions (2):

Ambry Genetics
Classification: Uncertain significance for Hereditary cancer-predisposing syndrome. Last evaluated: 2019-08-27. Review status: criteria provided, single submitter. Criteria: Ambry Variant Classification Scheme 2023. Collection method: clinical testing. Allele origin: germline.
Comment: The p.S575P variant (also known as c.1723T>C), located in coding exon 10 of the ATM gene, results from a T to C substitution at nucleotide position 1723. The serine at codon 575 is replaced by proline, an amino acid with similar properties. This amino acid position is poorly conserved in available vertebrate species. In addition, this alteration is predicted to be tolerated by in silico analysis. Since supporting evidence is limited at this time, the clinical significance of this alteration remains unclear.

Natera, Inc.
Classification: Uncertain significance for Ataxia-telangiectasia. Last evaluated: 2025-04-10. Review status: no assertion criteria provided. Collection method: clinical testing. Allele origin: germline. Not counted in ClinVar's aggregate classification.